The following is an entry in ClinVar:

NM_001197104.2(KMT2A):c.1351T>C (p.Phe451Leu)

Gene: KMT2A (lysine methyltransferase 2A; plus strand). Cytogenetic location: 11q23.3.
Variant type: single nucleotide variant.
Coding change: c.1351T>C on transcript NM_001197104.2 (MANE Select); coding-DNA position 1351, T replaced by C.
Protein change: p.Phe451Leu; replaces phenylalanine 451 with leucine.
Molecular consequence: missense variant.
Genome position (GRCh38, 1-based): chr11:118,472,510, T>C. VCF-style: chr11-118472510-T-C. GRCh37 (hg19) VCF-style: chr11-118343225-T-C.
Other names: c.1351T>C, p.Phe451Leu (NM_005933.4); short protein forms F451L.
Identifiers: ClinVar variation 1475769 (VCV001475769.9), dbSNP rs782197542, ClinGen allele CA6303389.

ClinVar aggregate classification (germline): Uncertain significance. Review status: criteria provided, multiple submitters, no conflicts (2 of 4 stars). 2 submissions from 2 submitters: Uncertain significance (2). Last evaluated 2026-08-01.

Allele frequency attached by ClinVar (database versions not stated): TOPMed below 0.00001; ExAC 0.00001; gnomAD 0.00001; gnomAD exomes below 0.00001.
gnomAD v4.1: 2 of 1,613,216 alleles (0.00012%); highest among the groups gnomAD compares: Non-Finnish European, 0.00017%; no homozygotes.

Submissions (2):

CeGaT Center for Human Genetics Tuebingen
Classification: Uncertain significance. Last evaluated: 2026-08-01. Review status: criteria provided, single submitter. Criteria: CeGaT Center For Human Genetics Tuebingen Variant Classification Criteria Version 2. Collection method: clinical testing. Allele origin: germline. Affected: yes. Observed: 1 variant allele.

Labcorp Genetics (formerly Invitae), Labcorp
Classification: Uncertain significance. Last evaluated: 2025-12-02. Review status: criteria provided, single submitter. Criteria: Invitae Variant Classification Sherloc (09022015). Collection method: clinical testing. Allele origin: germline.
Comment: This sequence change replaces phenylalanine, which is neutral and non-polar, with leucine, which is neutral and non-polar, at codon 451 of the KMT2A protein (p.Phe451Leu). This variant is not present in population databases (gnomAD no frequency). This variant has not been reported in the literature in individuals affected with KMT2A-related conditions. ClinVar contains an entry for this variant (Variation ID: 1475769). Invitae Evidence Modeling of protein sequence and biophysical properties (such as structural, functional, and spatial information, amino acid conservation, physicochemical variation, residue mobility, and thermodynamic stability) indicates that this missense variant is not expected to disrupt KMT2A protein function with a negative predictive value of 95%. In summary, the available evidence is currently insufficient to determine the role of this variant in disease. Therefore, it has been classified as a Variant of Uncertain Significance.